The following is an entry in ClinVar:

ClinVar aggregate classification (germline): Likely benign (0 of 4 stars; one submission).

Conditions:
HFM1-related disorder. Also called: HFM1-related condition.

Allele frequency attached by ClinVar (database versions not stated): ExAC 0.00022; 1000 Genomes Project 30x 0.00031; gnomAD 0.00037; ESP Exome Variant Server 0.00038; 1000 Genomes Project 0.00040; TOPMed 0.00042.
gnomAD v4.1: 832 of 1,609,730 alleles (0.052%); highest among the groups gnomAD compares: Non-Finnish European, 0.067%; no homozygotes.

Submission:

PreventionGenetics, part of Exact Sciences
Classification: Likely benign for HFM1-related condition. Last evaluated: 2019-08-14. Review status: no assertion criteria provided. Collection method: clinical testing. Allele origin: germline.
Comment: This variant is classified as likely benign based on ACMG/AMP sequence variant interpretation guidelines (Richards et al. 2015 PMID: 25741868, with internal and published modifications).

NM_001017975.6(HFM1):c.3120A>C (p.Val1040=)

Gene: HFM1 (helicase for meiosis 1; minus strand). Cytogenetic location: 1p22.2.
Variant type: single nucleotide variant.
Coding change: c.3120A>C on transcript NM_001017975.6 (MANE Select); coding-DNA position 3120, A replaced by C.
Protein change: p.Val1040=; no amino-acid change (valine 1040 retained).
Molecular consequence: synonymous variant. On other transcripts: non-coding transcript variant (1).
Genome position (GRCh38, 1-based): chr1:91,315,835, T>G on the plus strand (A>C on the coding strand, the complement: HFM1 is on the minus strand). VCF-style: chr1-91315835-T-G. GRCh37 (hg19) VCF-style: chr1-91781392-T-G.
Identifiers: ClinVar variation 3052410 (VCV003052410.2), dbSNP rs142253234, ClinGen allele CA945702.